The following is an entry in ClinVar:

ClinVar aggregate classification (germline): Uncertain significance (1 of 4 stars; one submission).

Submission:

GeneDx
Classification: Uncertain significance. Last evaluated: 2024-09-27. Review status: criteria provided, single submitter. Criteria: GeneDx Variant Classification Process June 2021. Collection method: clinical testing. Allele origin: germline. Affected: yes.
Comment: Not observed at significant frequency in large population cohorts (gnomAD); In silico analysis supports that this missense variant has a deleterious effect on protein structure/function; Has not been previously published as pathogenic or benign to our knowledge; This variant is associated with the following publications: (PMID: 33767344)

NM_000540.3(RYR1):c.746G>T (p.Gly249Val)

Gene: RYR1 (ryanodine receptor 1; plus strand). Cytogenetic location: 19q13.2.
Variant type: single nucleotide variant.
Coding change: c.746G>T on transcript NM_000540.3 (MANE Select); coding-DNA position 746, G replaced by T.
Protein change: p.Gly249Val; replaces glycine 249 with valine.
Molecular consequence: missense variant.
Genome position (GRCh38, 1-based): chr19:38,446,714, G>T. VCF-style: chr19-38446714-G-T. GRCh37 (hg19) VCF-style: chr19-38937354-G-T.
Other names: c.746G>T, p.Gly249Val (NM_001042723.2); short protein forms G249V.
Identifiers: ClinVar variation 3774828 (VCV003774828.1).